The following is an entry in ClinVar:

ClinVar aggregate classification (germline): Pathogenic (1 of 4 stars; one submission).

Conditions:
Mitochondrial DNA depletion syndrome, encephalomyopathic form with methylmalonic aciduria (MTDPS5). Also called: Mitochondrial encephalomyopathy aminoacidopathy; MITOCHONDRIAL DNA DEPLETION SYNDROME, ENCEPHALOMYOPATHIC FORM, WITH OR WITHOUT METHYLMALONIC ACIDURIA, AUTOSOMAL RECESSIVE, SUCLA2-RELATED; Mitochondrial DNA depletion syndrome 5 (encephalomyopathic with or without methylmalonic aciduria); SUCLA2-Related Mitochondrial DNA Depletion Syndrome, Encephalomyopathic Form with Methylmalonic Aciduria. Identifiers: Orphanet 1933, MedGen C5980207, MONDO:0012791, OMIM 612073.

gnomAD v4.1: 1 of 1,613,920 alleles (0.000062%); highest among the groups gnomAD compares: African/African-American, 0.0013%; no homozygotes.

Submission:

Labcorp Genetics (formerly Invitae), Labcorp
Classification: Pathogenic for Mitochondrial DNA depletion syndrome, encephalomyopathic form with methylmalonic aciduria. Last evaluated: 2025-02-20. Review status: criteria provided, single submitter. Criteria: Invitae Variant Classification Sherloc (09022015). Collection method: clinical testing. Allele origin: germline.
Comment: This sequence change creates a premature translational stop signal (p.Gln50*) in the SUCLA2 gene. It is expected to result in an absent or disrupted protein product. Loss-of-function variants in SUCLA2 are known to be pathogenic (PMID: 15877282, 17301081). This variant is not present in population databases (gnomAD no frequency). This variant has not been reported in the literature in individuals affected with SUCLA2-related conditions. For these reasons, this variant has been classified as Pathogenic.

Literature cited by the submitters: PubMed 15877282; PubMed 17301081.

NM_003850.3(SUCLA2):c.148C>T (p.Gln50Ter)

Gene: SUCLA2 (succinate-CoA ligase ADP-forming subunit beta; minus strand). Cytogenetic location: 13q14.2.
Variant type: single nucleotide variant.
Coding change: c.148C>T on transcript NM_003850.3 (MANE Select); coding-DNA position 148, C replaced by T.
Protein change: p.Gln50Ter; replaces glutamine 50 with a stop codon.
Molecular consequence: nonsense.
Genome position (GRCh38, 1-based): chr13:47,996,966, G>A on the plus strand (C>T on the coding strand, the complement: SUCLA2 is on the minus strand). VCF-style: chr13-47996966-G-A. GRCh37 (hg19) VCF-style: chr13-48571101-G-A.
Other names: short protein forms Q50*.
Identifiers: ClinVar variation 4809636 (VCV004809636.1), dbSNP rs1374397263.